The following is an entry in ClinVar:

NC_000012.12:g.121641608G>C

Gene: ORAI1 (ORAI calcium release-activated calcium modulator 1; plus strand). Cytogenetic location: 12q24.31.
Variant type: single nucleotide variant.
Genome position: GRCh38 VCF-style: chr12-121641608-G-C. GRCh37 (hg19) VCF-style: chr12-122079514-G-C.
Other names: c.871G>C, p.Asp291His (NM_032790.4); short protein forms D291H.
Identifiers: ClinVar variation 1403181 (VCV001403181.7), dbSNP rs781960958, ClinGen allele CA6837582.

ClinVar aggregate classification (germline): Uncertain significance. Review status: criteria provided, multiple submitters, no conflicts (2 of 4 stars). 2 submissions from 2 submitters: Uncertain significance (2). Last evaluated 2025-08-29.

Conditions:
Myopathy, tubular aggregate, 2 (TAM2). Identifiers: MedGen C4014557, MONDO:0014383, OMIM 615883.
Combined immunodeficiency due to ORAI1 deficiency. Also called: IMMUNODEFICIENCY 9. Identifiers: Orphanet 169090, Orphanet 317428, MedGen C2748568, MONDO:0013007, OMIM 612782.

Allele frequency attached by ClinVar (database versions not stated): TOPMed 0.00001; gnomAD exomes 0.00002; ExAC 0.00003; gnomAD 0.00003 and 0.00004.

Submissions (2):

Labcorp Genetics (formerly Invitae), Labcorp
Classification: Uncertain significance for Myopathy, tubular aggregate, 2; Combined immunodeficiency due to ORAI1 deficiency. Last evaluated: 2025-08-29. Review status: criteria provided, single submitter. Criteria: Invitae Variant Classification Sherloc (09022015). Collection method: clinical testing. Allele origin: germline.
Comment: This sequence change replaces aspartic acid, which is acidic and polar, with histidine, which is basic and polar, at codon 291 of the ORAI1 protein (p.Asp291His). This variant is present in population databases (rs781960958, gnomAD 0.006%). This variant has not been reported in the literature in individuals affected with ORAI1-related conditions. ClinVar contains an entry for this variant (Variation ID: 1403181). Experimental studies and prediction algorithms are not available or were not evaluated, and the functional significance of this variant is currently unknown. In summary, the available evidence is currently insufficient to determine the role of this variant in disease. Therefore, it has been classified as a Variant of Uncertain Significance.

Blueprint Genetics
Classification: Uncertain significance. Last evaluated: 2021-09-17. Review status: criteria provided, single submitter. Criteria: ACMG Guidelines, 2015. Collection method: clinical testing. Allele origin: germline.